The following is an entry in ClinVar:

ClinVar aggregate classification (germline): Uncertain significance (1 of 4 stars; one submission).

Submission:

Labcorp Genetics (formerly Invitae), Labcorp
Classification: Uncertain significance. Last evaluated: 2024-01-06. Review status: criteria provided, single submitter. Criteria: Invitae Variant Classification Sherloc (09022015). Collection method: clinical testing. Allele origin: germline.
Comment: This sequence change replaces alanine, which is neutral and non-polar, with valine, which is neutral and non-polar, at codon 142 of the CTNNA1 protein (p.Ala142Val). This variant is present in population databases (no rsID available, gnomAD 0.0009%). This variant has not been reported in the literature in individuals affected with CTNNA1-related conditions. Advanced modeling of protein sequence and biophysical properties (such as structural, functional, and spatial information, amino acid conservation, physicochemical variation, residue mobility, and thermodynamic stability) performed at Invitae indicates that this missense variant is expected to disrupt CTNNA1 protein function with a positive predictive value of 80%. In summary, the available evidence is currently insufficient to determine the role of this variant in disease. Therefore, it has been classified as a Variant of Uncertain Significance.

NM_001903.5(CTNNA1):c.425C>T (p.Ala142Val)

Gene: CTNNA1 (catenin alpha 1; plus strand). Cytogenetic location: 5q31.2.
Variant type: single nucleotide variant.
Coding change: c.425C>T on transcript NM_001903.5 (MANE Select); coding-DNA position 425, C replaced by T.
Protein change: p.Ala142Val; replaces alanine 142 with valine.
Molecular consequence: missense variant.
Genome position (GRCh38, 1-based): chr5:138,810,161, C>T. VCF-style: chr5-138810161-C-T. GRCh37 (hg19) VCF-style: chr5-138145850-C-T.
Other names: c.425C>T, p.Ala142Val (NM_001290307.3, NM_001323982.2, NM_001323983.1 and 3 more transcripts); c.116C>T, p.Ala39Val (NM_001290309.3); c.56C>T, p.Ala19Val (NM_001290310.3); short protein forms A142V, A19V, A39V.
Identifiers: ClinVar variation 2916315 (VCV002916315.3), dbSNP rs1370606389, ClinGen allele CA361123422.